The following is an entry in ClinVar:

NM_001348323.3(TRIP12):c.2389A>G (p.Met797Val)

Gene: TRIP12 (thyroid hormone receptor interactor 12; minus strand). Cytogenetic location: 2q36.3.
Variant type: single nucleotide variant.
Coding change: c.2389A>G on transcript NM_001348323.3 (MANE Select); coding-DNA position 2389, A replaced by G.
Protein change: p.Met797Val; replaces methionine 797 with valine.
Molecular consequence: missense variant.
Genome position (GRCh38, 1-based): chr2:229,807,815, T>C on the plus strand (A>G on the coding strand, the complement: TRIP12 is on the minus strand). VCF-style: chr2-229807815-T-C. GRCh37 (hg19) VCF-style: chr2-230672531-T-C.
Other names: c.2389A>G, p.Met797Val (NM_001284214.2, NM_001348315.2, NM_001348319.1 and 11 more transcripts); c.2263A>G, p.Met755Val (NM_001284215.2, NM_001348316.2, NM_001348317.1 and 2 more transcripts); c.1354A>G, p.Met452Val (NM_001284216.2); c.2302A>G, p.Met768Val (NM_001348332.1); c.2245A>G, p.Met749Val (NM_004238.3); c.2245A>G (NM_004238.1); short protein forms M452V, M749V, M755V, M768V, M797V.
Identifiers: ClinVar variation 1695008 (VCV001695008.32), dbSNP rs765636286, ClinGen allele CA66707583.

ClinVar aggregate classification (germline): Uncertain significance. Review status: criteria provided, multiple submitters, no conflicts (2 of 4 stars). 2 submissions from 2 submitters: Uncertain significance (2). Last evaluated 2023-10-16.

Conditions:
Inborn genetic diseases. Identifiers: MedGen C0950123, MeSH D030342.

Allele frequency attached by ClinVar (database versions not stated): gnomAD exomes 0.00004.
gnomAD v4.1: 63 of 1,614,136 alleles (0.0039%); highest among the groups gnomAD compares: Middle Eastern, 0.016%; no homozygotes.

Submissions (2):

Ambry Genetics
Classification: Uncertain significance for Inborn genetic diseases. Last evaluated: 2023-10-16. Review status: criteria provided, single submitter. Criteria: Ambry Variant Classification Scheme 2023. Collection method: clinical testing. Allele origin: germline.

CeGaT Center for Human Genetics Tuebingen
Classification: Uncertain significance. Last evaluated: 2022-06-01. Review status: criteria provided, single submitter. Criteria: CeGaT Center For Human Genetics Tuebingen Variant Classification Criteria Version 2. Collection method: clinical testing. Allele origin: germline. Affected: yes. Observed: 1 variant allele.
Comment: TRIP12: PM2, PP2